The following is an entry in ClinVar:

NM_001042663.3(PLEKHG5):c.22_23insGGCC (p.Lys8fs)

Gene: PLEKHG5 (pleckstrin homology and RhoGEF domain containing G5; minus strand). Cytogenetic location: 1p36.31.
Variant type: Insertion.
Coding change: c.22_23insGGCC on transcript NM_001042663.3; coding-DNA positions 22 to 23, GGCC inserted.
Protein change: p.Lys8fs; shifts the reading frame from lysine 8.
Molecular consequence: frameshift variant. On other transcripts: 5 prime UTR variant (1).
Genome position: GRCh38 VCF-style: chr1-6496494-T-TGGCC. GRCh37 (hg19) VCF-style: chr1-6556554-T-TGGCC.
Other names: c.22_23insGGCC, p.Lys8fs (NM_001265592.2); c.-90_-89insGGCC (NM_198681.4); short protein forms K8fs.
Identifiers: ClinVar variation 1691304 (VCV001691304.3), dbSNP rs2148627334, ClinGen allele CA2573132114.

ClinVar aggregate classification (germline): Likely pathogenic (1 of 4 stars; one submission).

Conditions:
Neuronopathy, distal hereditary motor, autosomal recessive 4. Also called: Autosomal recessive lower motor neuron disease with childhood onset; NEUROPATHY, DISTAL HEREDITARY MOTOR, AUTOSOMAL RECESSIVE 4. Identifiers: Orphanet 206580, MedGen C1970211, MONDO:0012608, OMIM 611067.
Charcot-Marie-Tooth disease recessive intermediate C. Also called: CHARCOT-MARIE-TOOTH NEUROPATHY, RECESSIVE INTERMEDIATE C. Identifiers: Orphanet 369867, MedGen C3809309, MONDO:0014154, OMIM 615376.

Submission:

Diagnostics Services (NGS), CSIR - Centre For Cellular And Molecular Biology
Classification: Likely pathogenic for Neuronopathy, distal hereditary motor, autosomal recessive 4; Charcot-Marie-Tooth disease recessive intermediate C. Last evaluated: 2022-04-27. Review status: criteria provided, single submitter. Criteria: ACMG Guidelines, 2015. Collection method: clinical testing. Allele origin: germline. Inheritance: Autosomal recessive inheritance. Affected: yes. Observed: 1 variant allele, 1 homozygote.
Comment: The c.22_23insGGCC variant is not present in publicly available population databases like 1000 Genomes, Exome Variant Server (EVS), Exome Aggregation Consortium (ExAC), Genome Aggregation Database (gnomAD) and Indian Exome Database. The variant is not present in our in-house exome database. The variant was not previously reported to ClinVar, Human Genome Mutation Database (HGMD) and/or OMIM databases, in any affected individuals. In-silico pathogenicity prediction programs like MutationTaster2, CADD, Varsome etc. predicted this variant to be likely deleterious, however these predictions were not confirmed by any established/published functional studies. The variant causes frameshift at the 25th amino acid position of the wild type transcript that creates a premature stop codon at the 51th amino acid position of the altered transcript that may either transcribes a truncated protein or results non sense mediated decay of the mRNA.